The following is an entry in ClinVar:

ClinVar aggregate classification (germline): Benign/Likely benign. Review status: criteria provided, multiple submitters, no conflicts (2 of 4 stars). 25 submissions from 24 submitters: Benign (17); Likely benign (4). 4 of the submissions do not count toward it. Last evaluated 2026-10-01.

Conditions:
Carney-Stratakis syndrome. Also called: PARAGANGLIOMA AND GASTROINTESTINAL STROMAL TUMOR. Identifiers: Orphanet 97286, MedGen C1847319, MONDO:0011740, OMIM 606864.
Pheochromocytoma/paraganglioma syndrome 4. Also called: SDHB-Related Hereditary Paraganglioma-Pheochromocytoma Syndrome; CAROTID BODY TUMORS AND MULTIPLE EXTRAADRENAL PHEOCHROMOCYTOMAS; Paragangliomas 4; PARAGANGLIOMA, FAMILIAL MALIGNANT; PARAGANGLIOMAS, HEREDITARY EXTRAADRENAL; PHEOCHROMOCYTOMA, FAMILIAL EXTRAADRENAL. Identifiers: Orphanet 29072, MedGen C1861848, MONDO:0007273, OMIM 115310.
Mitochondrial complex 2 deficiency, nuclear type 4. Also called: MITOCHONDRIAL COMPLEX II DEFICIENCY, NUCLEAR TYPE 4. Identifiers: MedGen C5543176, MONDO:0030974, OMIM 619224.
Gastrointestinal stromal tumor. Also called: Gastrointestinal stroma tumor; Gastrointestinal stromal tumor, somatic. Identifiers: Orphanet 44890, MedGen C0238198, MeSH D046152, MONDO:0011719, OMIM 606764, HP:0100723.
Pheochromocytoma. Also called: MAX-Related Hereditary Paraganglioma-Pheochromocytoma Syndrome. Identifiers: Orphanet 29072, MedGen C0031511, MONDO:0008233, OMIM 171300, HP:0002666.
SDHB-related disorder. Also called: SDHB-related condition; SDHB-related disorders. Identifiers: MedGen CN239418.
Cowden syndrome (CS). Also called: Cowden's disease; Cowden's syndrome; Cowden disease. Identifiers: Orphanet 201, MedGen C0018553, MONDO:0016063. Disease mechanism: gain of function.
Hereditary cancer-predisposing syndrome. Also called: Hereditary neoplastic syndrome; Hereditary Cancer Syndrome; Neoplastic Syndromes, Hereditary; Tumor predisposition. Identifiers: Orphanet 140162, MedGen C0027672, MeSH D009386, MONDO:0015356.
Hereditary pheochromocytoma and paraganglioma. Also called: Hereditary pheochromocytoma-paraganglioma; Hereditary paragangliomas and pheochromocytomas; Hereditary Paraganglioma-Pheochromocytoma Syndromes. Identifiers: Orphanet 29072, MedGen C4274332, MONDO:0017366.

Allele frequency attached by ClinVar (database versions not stated): ExAC 0.00436; TOPMed 0.01447; 1000 Genomes Project 30x 0.01577; gnomAD 0.01309 and 0.01214; 1000 Genomes Project 0.01338.
gnomAD v4.1: 3,562 of 1,610,234 alleles (0.22%); highest among the groups gnomAD compares: African/African-American, 4.2%; 63 homozygotes.

Submissions (25):

CeGaT Center for Human Genetics Tuebingen
Classification: Benign. Last evaluated: 2026-10-01. Review status: criteria provided, single submitter. Criteria: CeGaT Center For Human Genetics Tuebingen Variant Classification Criteria Version 2. Collection method: clinical testing. Allele origin: germline. Affected: yes. Observed: 23 variant alleles.
Comment: SDHB: BS1, BS2

Labcorp Genetics (formerly Invitae), Labcorp
Classification: Benign for Gastrointestinal stromal tumor; Pheochromocytoma/paraganglioma syndrome 4; Pheochromocytoma. Last evaluated: 2026-02-03. Review status: criteria provided, single submitter. Criteria: Invitae Variant Classification Sherloc (09022015). Collection method: clinical testing. Allele origin: germline.

Dasa
Classification: Benign. Last evaluated: 2025-11-18. Review status: criteria provided, single submitter. Criteria: DASA Assertion Criteria. Collection method: clinical testing. Allele origin: germline.
Comment: NM_003000.3(SDHB):c.8C>G (p.Ala3Gly) is a missense variant that results in the substitution of alanine with glycine. Population frequency is inconsistent with a disease-causing role for this variant, and observations in unaffected individuals support a benign interpretation. Therefore, based on the currently available evidence, this variant is classified as benign.

Myriad Genetics, Inc.
Classification: Likely benign for Pheochromocytoma/paraganglioma syndrome 4. Last evaluated: 2025-03-11. Review status: criteria provided, single submitter. Criteria: Myriad Autosomal Dominant, Autosomal Recessive and X-Linked Classification Criteria (2023). Collection method: clinical testing. Allele origin: unknown.
Comment: This variant is considered likely benign. This variant has been observed at a population frequency that is significantly greater than expected given the associated disease prevalence and penetrance.

Center for Genomic Medicine, Rigshospitalet, Copenhagen University Hospital
Classification: Benign. Last evaluated: 2025-03-04. Review status: criteria provided, single submitter. Criteria: ACMG Guidelines, 2015. Collection method: clinical testing. Allele origin: germline.

ARUP Laboratories, Molecular Genetics and Genomics, ARUP Laboratories
Classification: Benign. Last evaluated: 2023-10-11. Review status: criteria provided, single submitter. Criteria: ARUP Molecular Germline Variant Investigation Process 2024. Collection method: clinical testing. Allele origin: germline.

Color Diagnostics, LLC DBA Color Health
Classification: Benign for Hereditary pheochromocytoma and paraganglioma. Last evaluated: 2022-06-09. Review status: criteria provided, single submitter. Criteria: ACMG Guidelines, 2015. Collection method: clinical testing. Allele origin: germline.

Fulgent Genetics
Classification: Likely benign for Pheochromocytoma/paraganglioma syndrome 4; Pheochromocytoma; Gastrointestinal stromal tumor; Carney-Stratakis syndrome; Mitochondrial complex 2 deficiency, nuclear type 4. Last evaluated: 2022-03-25. Review status: criteria provided, single submitter. Criteria: ACMG Guidelines, 2015. Collection method: clinical testing. Allele origin: unknown.

Department of Pathology and Laboratory Medicine, Sinai Health System
Classification: Benign for Gastrointestinal stromal tumor. Last evaluated: 2021-05-19. Review status: criteria provided, single submitter. Criteria: ACMG Guidelines, 2015. Collection method: clinical testing. Allele origin: germline. Affected: yes.

Sema4
Classification: Benign for Hereditary cancer-predisposing syndrome. Last evaluated: 2020-04-28. Review status: criteria provided, single submitter. Criteria: Sema4 Curation Guidelines. Collection method: curation. Allele origin: germline.

Women's Health and Genetics/Laboratory Corporation of America, LabCorp
Classification: Benign. Last evaluated: 2019-12-23. Review status: criteria provided, single submitter. Criteria: LabCorp Variant Classification Summary - May 2015. Collection method: clinical testing. Allele origin: germline.
Comment: Variant summary: SDHB c.8C>G (p.Ala3Gly) results in a non-conservative amino acid change in the encoded protein sequence. Four of five in-silico tools predict a damaging effect of the variant on protein function. The variant allele was found at a frequency of 0.0031 in 242034 control chromosomes in the gnomAD database, including 19 homozygotes. The observed variant frequency is approximately over 3000 fold of the estimated maximal expected allele frequency for a pathogenic variant in SDHB causing Pheochromocytoma phenotype (8.8e-07), strongly suggesting that the variant is benign. To our knowledge, no occurrence of c.8C>G in individuals affected with Pheochromocytoma and no experimental evidence demonstrating its impact on protein function have been reported. Eight clinical diagnostic laboratories have submitted clinical-significance assessments for this variant to ClinVar after 2014 without evidence for independent evaluation (benign/likely benign, n=7). Based on the evidence outlined above, the variant was classified as benign.

Mendelics
Classification: Likely benign for Gastrointestinal stromal tumor. Last evaluated: 2019-05-28. Review status: criteria provided, single submitter. Criteria: Mendelics Assertion Criteria 2017. Collection method: clinical testing. Allele origin: unknown.

Equipe Genetique des Anomalies du Developpement, Université de Bourgogne
Classification: Benign for Pheochromocytoma/paraganglioma syndrome 4. Last evaluated: 2018-11-21. Review status: criteria provided, single submitter. Criteria: ACMG Guidelines, 2015. Collection method: clinical testing. Allele origin: unknown.

Illumina Laboratory Services, Illumina
Classification: Benign for Carney-Stratakis syndrome. Last evaluated: 2018-03-06. Review status: criteria provided, single submitter. Criteria: ICSL Variant Classification Criteria 13 December 2019. Collection method: clinical testing. Allele origin: germline.
Comment: This variant was observed in the ICSL laboratory as part of a predisposition screen in an ostensibly healthy population. It had not been previously curated by ICSL or reported in the Human Gene Mutation Database (HGMD: prior to June 1st, 2018), and was therefore a candidate for classification through an automated scoring system. Utilizing variant allele frequency, disease prevalence and penetrance estimates, and inheritance mode, an automated score was calculated to assess if this variant is too frequent to cause the disease. Based on the score and internal cut-off values, a variant classified as benign is not then subjected to further curation. The score for this variant resulted in a classification of benign for this disease.

Illumina Laboratory Services, Illumina
Classification: Benign for Hereditary Paraganglioma-Pheochromocytoma Syndromes. Last evaluated: 2018-03-06. Review status: criteria provided, single submitter. Criteria: ICSL Variant Classification Criteria 13 December 2019. Collection method: clinical testing. Allele origin: germline.
Comment: the same text as in the submission from Illumina Laboratory Services, Illumina above.

Eurofins Ntd Llc (ga)
Classification: Benign. Last evaluated: 2018-03-04. Review status: criteria provided, single submitter. Criteria: EGL ClinVar v180209 classification definitions. Collection method: clinical testing. Allele origin: germline. Observed: 1 variant allele, 1 heterozygote.

Center for Pediatric Genomic Medicine, Children's Mercy Hospital and Clinics
Classification: Benign. Last evaluated: 2017-04-19. Review status: criteria provided, single submitter. Criteria: ACMG Guidelines, 2015. Collection method: clinical testing. Allele origin: germline.

GeneDx
Classification: Benign. Last evaluated: 2016-11-09. Review status: criteria provided, single submitter. Criteria: GeneDx Variant Classification (06012015). Collection method: clinical testing. Allele origin: germline. Affected: yes.
Comment: This variant is considered likely benign or benign based on one or more of the following criteria: it is a conservative change, it occurs at a poorly conserved position in the protein, it is predicted to be benign by multiple in silico algorithms, and/or has population frequency not consistent with disease.

Laboratory for Molecular Medicine, Mass General Brigham Personalized Medicine
Classification: Benign. Last evaluated: 2016-06-23. Review status: criteria provided, single submitter. Criteria: LMM Criteria. Collection method: clinical testing. Allele origin: germline.
Comment: Variant identified in a genome or exome case(s) and assessed due to predicted null impact of the variant or pathogenic assertions in the literature or databases. Disclaimer: This variant has not undergone full assessment. The following are preliminary notes: Frequency

Ambry Genetics
Classification: Benign for Hereditary cancer-predisposing syndrome. Last evaluated: 2014-12-22. Review status: criteria provided, single submitter. Criteria: Ambry Variant Classification Scheme 2023. Collection method: clinical testing. Allele origin: germline.

Breakthrough Genomics
Classification: Likely benign. Review status: criteria provided, single submitter. Criteria: ACMG Guidelines, 2015. Collection method: not provided. Allele origin: germline. Inheritance: Autosomal recessive inheritance. Affected: yes.

PreventionGenetics, part of Exact Sciences
Classification: Benign for SDHB-related condition. Last evaluated: 2020-01-15. Review status: no assertion criteria provided. Collection method: clinical testing. Allele origin: germline. Not counted in ClinVar's aggregate classification.
Comment: This variant is classified as benign based on ACMG/AMP sequence variant interpretation guidelines (Richards et al. 2015 PMID: 25741868, with internal and published modifications).

ITMI
No classification provided. Condition: AllHighlyPenetrant. Last evaluated: 2013-09-19. Review status: no classification provided. Collection method: reference population. Allele origin: germline. Not counted in ClinVar's aggregate classification.
Comment: Please see associated publication for description of ethnicities

Biesecker Lab/Clinical Genomics Section, National Institutes of Health
Classification: Uncertain significance. Last evaluated: 2012-07-13. Review status: no assertion criteria provided. Collection method: research. Allele origin: germline. Affected: no. Observed: 2 variant alleles. Study: ClinSeq. Not counted in ClinVar's aggregate classification.
ClinVar note: Converted during submission from variant of unknown significance to Uncertain significance.

OMIM
Classification: Uncertain significance for RECLASSIFIED - VARIANT OF UNKNOWN SIGNIFICANCE. Last evaluated: 2008-08-01. Review status: no assertion criteria provided. Collection method: literature only. Allele origin: germline. Not counted in ClinVar's aggregate classification.

Literature cited by the submitters: PubMed 24728327 (cited by Department of Pathology and Laboratory Medicine, Sinai Health System and ITMI); Hamosh, A. Personal Communication. 2018. Baltimore, Md. (cited by OMIM); PubMed 18678321 (cited by OMIM); PubMed 19368708 (cited by OMIM).

NM_003000.3(SDHB):c.8C>G (p.Ala3Gly)

Gene: SDHB (succinate dehydrogenase complex iron sulfur subunit B; minus strand). Cytogenetic location: 1p36.13.
Variant type: single nucleotide variant.
Coding change: c.8C>G on transcript NM_003000.3 (MANE Select); coding-DNA position 8, C replaced by G.
Protein change: p.Ala3Gly; replaces alanine 3 with glycine.
Molecular consequence: missense variant.
Genome position (GRCh38, 1-based): chr1:17,054,012, G>C on the plus strand (C>G on the coding strand, the complement: SDHB is on the minus strand). VCF-style: chr1-17054012-G-C. GRCh37 (hg19) VCF-style: chr1-17380507-G-C.
Other names: short protein forms A3G.
Identifiers: ClinVar variation 12791 (VCV000012791.73), dbSNP rs11203289, ClinGen allele CA016202.